The following is an entry in ClinVar:

NM_000535.7(PMS2):c.524G>T (p.Arg175Met)

Gene: PMS2 (PMS1 homolog 2, mismatch repair system component; minus strand). Cytogenetic location: 7p22.1.
Variant type: single nucleotide variant.
Coding change: c.524G>T on transcript NM_000535.7 (MANE Select); coding-DNA position 524, G replaced by T.
Protein change: p.Arg175Met; replaces arginine 175 with methionine.
Molecular consequence: missense variant. On other transcripts: 5 prime UTR variant (2), non-coding transcript variant (1).
Genome position (GRCh38, 1-based): chr7:6,002,466, C>A on the plus strand (G>T on the coding strand, the complement: PMS2 is on the minus strand). VCF-style: chr7-6002466-C-A. GRCh37 (hg19) VCF-style: chr7-6042097-C-A.
Other names: c.119G>T, p.Arg40Met (NM_001322003.2, NM_001322004.2, NM_001322005.2 and 3 more transcripts); c.524G>T, p.Arg175Met (NM_001322006.2, NM_001322014.2); c.206G>T, p.Arg69Met (NM_001322007.2, NM_001322008.2); c.-361G>T (NM_001322011.2, NM_001322012.2); c.215G>T, p.Arg72Met (NM_001322015.2); c.524G>T (NM_000535.5); short protein forms R175M, R72M, R40M, R69M.
Identifiers: ClinVar variation 631121 (VCV000631121.13), dbSNP rs1562688735, ClinGen allele CA366744176.

ClinVar aggregate classification (germline): Uncertain significance. Review status: criteria provided, multiple submitters, no conflicts (2 of 4 stars). 4 submissions from 4 submitters: Uncertain significance (4). Last evaluated 2024-02-12.

Conditions:
Hereditary cancer-predisposing syndrome. Also called: Tumor predisposition; Neoplastic Syndromes, Hereditary; Hereditary neoplastic syndrome; Hereditary Cancer Syndrome. Identifiers: Orphanet 140162, MedGen C0027672, MeSH D009386, MONDO:0015356.
Hereditary nonpolyposis colorectal neoplasms. Identifiers: MedGen C0009405, MeSH D003123.

Submissions (4):

Ambry Genetics
Classification: Uncertain significance for Hereditary cancer-predisposing syndrome. Last evaluated: 2024-02-12. Review status: criteria provided, single submitter. Criteria: Ambry Variant Classification Scheme 2023. Collection method: clinical testing. Allele origin: germline.
Comment: The p.R175M variant (also known as c.524G>T), located in coding exon 5 of the PMS2 gene, results from a G to T substitution at nucleotide position 524. The arginine at codon 175 is replaced by methionine, an amino acid with similar properties. This amino acid position is conserved. In addition, the in silico prediction for this alteration is inconclusive. Based on the available evidence, the clinical significance of this alteration remains unclear.

Color Diagnostics, LLC DBA Color Health
Classification: Uncertain significance for Hereditary cancer-predisposing syndrome. Last evaluated: 2023-12-04. Review status: criteria provided, single submitter. Criteria: ACMG Guidelines, 2015. Collection method: clinical testing. Allele origin: germline.
Comment: This missense variant replaces arginine with methionine at codon 175 of the PMS2 protein. Computational prediction is inconclusive regarding the impact of this variant on protein structure and function (internally defined REVEL score threshold 0.5 < inconclusive < 0.7, PMID: 27666373). To our knowledge, functional studies have not been reported for this variant. This variant has not been reported in individuals affected with PMS2-related disorders in the literature. This variant has not been identified in the general population by the Genome Aggregation Database (gnomAD). The available evidence is insufficient to determine the role of this variant in disease conclusively. Therefore, this variant is classified as a Variant of Uncertain Significance.

Labcorp Genetics (formerly Invitae), Labcorp
Classification: Uncertain significance for Hereditary nonpolyposis colorectal neoplasms. Last evaluated: 2023-10-03. Review status: criteria provided, single submitter. Criteria: Invitae Variant Classification Sherloc (09022015). Collection method: clinical testing. Allele origin: germline.
Comment: This sequence change replaces arginine, which is basic and polar, with methionine, which is neutral and non-polar, at codon 175 of the PMS2 protein (p.Arg175Met). This variant is not present in population databases (gnomAD no frequency). This variant has not been reported in the literature in individuals affected with PMS2-related conditions. ClinVar contains an entry for this variant (Variation ID: 631121). Advanced modeling of protein sequence and biophysical properties (such as structural, functional, and spatial information, amino acid conservation, physicochemical variation, residue mobility, and thermodynamic stability) performed at Invitae indicates that this missense variant is expected to disrupt PMS2 protein function. In summary, the available evidence is currently insufficient to determine the role of this variant in disease. Therefore, it has been classified as a Variant of Uncertain Significance.

Women's Health and Genetics/Laboratory Corporation of America, LabCorp
Classification: Uncertain significance. Last evaluated: 2022-05-13. Review status: criteria provided, single submitter. Criteria: LabCorp Variant Classification Summary - May 2015. Collection method: clinical testing. Allele origin: germline.